The following is an entry in ClinVar:

NM_000059.4(BRCA2):c.5102A>G (p.Gln1701Arg)

Gene: BRCA2 (BRCA2 DNA repair associated; plus strand). Cytogenetic location: 13q13.1.
Variant type: single nucleotide variant.
Coding change: c.5102A>G on transcript NM_000059.4 (MANE Select); coding-DNA position 5102, A replaced by G.
Protein change: p.Gln1701Arg; replaces glutamine 1701 with arginine.
Molecular consequence: missense variant. On other transcripts: non-coding transcript variant (1), intron variant (2).
Genome position (GRCh38, 1-based): chr13:32,339,457, A>G. VCF-style: chr13-32339457-A-G. GRCh37 (hg19) VCF-style: chr13-32913594-A-G.
Other names: c.5102A>G, p.Gln1701Arg (NM_001406719.1, NM_001406720.1, NM_001432077.1); c.1910-5101A>G (NM_001406721.1); c.425-5101A>G (NM_001406722.1); short protein forms Q1701R.
Identifiers: ClinVar variation 4756014 (VCV004756014.1).
Genomic context (GRCh38, chr13:32,339,457, plus strand): 5'-TGAGTCAGACTTCATTACTTGAAGCAAAAAAATGGCTTAGAGAAGGAATATTTGATGGTC[A>G]ACCAGAAAGAATAAATACTGCAGATTATGTAGGAAATTATTTGTATGAAAATAATTCAAA-3'
Protein context (NP_000050.3, residues 1691-1711): KWLREGIFDG[Gln1701Arg]PERINTADYV

ClinVar aggregate classification (germline): Uncertain significance (1 of 4 stars; one submission).

gnomAD v4.1: 1 of 1,587,544 alleles (0.000063%); highest among the groups gnomAD compares: Non-Finnish European, 0.000086%; no homozygotes.

Submission:

GeneDx
Classification: Uncertain significance. Last evaluated: 2025-08-08. Review status: criteria provided, single submitter. Criteria: GeneDx Variant Classification Process June 2021. Collection method: clinical testing. Allele origin: germline. Affected: yes.
Comment: Not observed at significant frequency in large population cohorts (gnomAD); In silico analysis supports that this missense variant has a deleterious effect on protein structure/function; Has not been previously published as pathogenic or benign to our knowledge; Also known as 5330A>G